The following is an entry in ClinVar:

ClinVar aggregate classification (germline): Benign/Likely benign. Review status: criteria provided, multiple submitters, no conflicts (2 of 4 stars). 3 submissions from 3 submitters: Benign (1); Likely benign (1). 1 of the submissions does not count toward it. Last evaluated 2025-01-09.

Conditions:
KDM1A-related disorder. Also called: KDM1A-related condition.
Inborn genetic diseases. Identifiers: MedGen C0950123, MeSH D030342.

Allele frequency attached by ClinVar (database versions not stated): gnomAD 0.00001 and below 0.00001; TOPMed 0.00001; gnomAD exomes 0.00005 and 0.00012; ExAC 0.00017; 1000 Genomes Project 0.00020; 1000 Genomes Project 30x 0.00016.
gnomAD v4.1: 77 of 1,614,044 alleles (0.0048%); highest among the groups gnomAD compares: South Asian, 0.078%; 1 homozygote.

Submissions (3):

Labcorp Genetics (formerly Invitae), Labcorp
Classification: Benign. Last evaluated: 2025-01-09. Review status: criteria provided, single submitter. Criteria: Invitae Variant Classification Sherloc (09022015). Collection method: clinical testing. Allele origin: germline.

Ambry Genetics
Classification: Likely benign for Inborn genetic diseases. Last evaluated: 2024-11-20. Review status: criteria provided, single submitter. Criteria: Ambry Variant Classification Scheme 2023. Collection method: clinical testing. Allele origin: germline.

PreventionGenetics, part of Exact Sciences
Classification: Likely benign for KDM1A-related condition. Last evaluated: 2019-03-29. Review status: no assertion criteria provided. Collection method: clinical testing. Allele origin: germline. Not counted in ClinVar's aggregate classification.
Comment: This variant is classified as likely benign based on ACMG/AMP sequence variant interpretation guidelines (Richards et al. 2015 PMID: 25741868, with internal and published modifications).

NM_001009999.3(KDM1A):c.2403T>G (p.Ala801=)

Gene: KDM1A (lysine demethylase 1A; plus strand). Cytogenetic location: 1p36.12.
Variant type: single nucleotide variant.
Coding change: c.2403T>G on transcript NM_001009999.3 (MANE Select); coding-DNA position 2403, T replaced by G.
Protein change: p.Ala801=; no amino-acid change (alanine 801 retained).
Molecular consequence: synonymous variant.
Genome position (GRCh38, 1-based): chr1:23,082,324, T>G. VCF-style: chr1-23082324-T-G. GRCh37 (hg19) VCF-style: chr1-23408817-T-G.
Other names: c.2349T>G, p.Ala783= (NM_001363654.2); c.2331T>G, p.Ala777= (NM_015013.4).
Identifiers: ClinVar variation 722171 (VCV000722171.8), dbSNP rs532521841, ClinGen allele CA679953.